The following is an entry in ClinVar:

NM_000057.4(BLM):c.4005G>C (p.Lys1335Asn)

Gene: BLM (BLM RecQ like helicase; plus strand). Cytogenetic location: 15q26.1.
Variant type: single nucleotide variant.
Coding change: c.4005G>C on transcript NM_000057.4 (MANE Select); coding-DNA position 4005, G replaced by C.
Protein change: p.Lys1335Asn; replaces lysine 1335 with asparagine.
Molecular consequence: missense variant.
Genome position (GRCh38, 1-based): chr15:90,811,335, G>C. VCF-style: chr15-90811335-G-C. GRCh37 (hg19) VCF-style: chr15-91354565-G-C.
Other names: c.4005G>C, p.Lys1335Asn (NM_001287246.2); c.3612G>C, p.Lys1204Asn (NM_001287247.2); c.2880G>C, p.Lys960Asn (NM_001287248.2); short protein forms K1204N, K1335N, K960N.
Identifiers: ClinVar variation 3224688 (VCV003224688.1), dbSNP rs1449845656, ClinGen allele CA393851193.

ClinVar aggregate classification (germline): Uncertain significance (1 of 4 stars; one submission).

Conditions:
Hereditary cancer-predisposing syndrome. Also called: Tumor predisposition; Hereditary neoplastic syndrome; Hereditary Cancer Syndrome; Neoplastic Syndromes, Hereditary. Identifiers: Orphanet 140162, MedGen C0027672, MeSH D009386, MONDO:0015356.

Submission:

Ambry Genetics
Classification: Uncertain significance for Hereditary cancer-predisposing syndrome. Last evaluated: 2023-09-27. Review status: criteria provided, single submitter. Criteria: Ambry Variant Classification Scheme 2023. Collection method: clinical testing. Allele origin: germline.
Comment: The p.K1335N variant (also known as c.4005G>C), located in coding exon 20 of the BLM gene, results from a G to C substitution at nucleotide position 4005. The lysine at codon 1335 is replaced by asparagine, an amino acid with similar properties. This amino acid position is conserved. In addition, this alteration is predicted to be tolerated by in silico analysis. Since supporting evidence is limited at this time, the clinical significance of this alteration remains unclear.